The following is an entry in ClinVar:

ClinVar aggregate classification (germline): Conflicting classifications of pathogenicity. Review status: criteria provided, conflicting classifications (1 of 4 stars). 19 submissions from 17 submitters: Pathogenic (1); Likely pathogenic (3); Uncertain significance (6); Benign (3); Likely benign (1). 5 of the submissions do not count toward it. Last evaluated 2026-10-15.

Conditions:
WNT10A-related disorder. Also called: WNT10A-related disorders; WNT10A-related condition.
Tooth agenesis, selective, 4 (STHAG4). Also called: SUCCEDANEOUS TEETH, AGENESIS OF; TOOTH AGENESIS, SELECTIVE, 4, WITH OR WITHOUT ECTODERMAL DYSPLASIA; LATERAL INCISORS, ABSENCE OF; LATERAL INCISORS, PEGGED OR MISSING. Identifiers: Orphanet 99798, MedGen C1835492, MONDO:0007881, OMIM 150400. Disease mechanism: loss of function.
Odonto-onycho-dermal dysplasia. Identifiers: Orphanet 2721, MedGen C0796093, MONDO:0009773, OMIM 257980.
Schöpf-Schulz-Passarge syndrome. Also called: ECCRINE TUMORS WITH ECTODERMAL DYSPLASIA; KERATOSIS PALMOPLANTARIS WITH CYSTIC EYELIDS, HYPODONTIA, AND HYPOTRICHOSIS; SchC6pf-Schulz-Passarge syndrome. Identifiers: Orphanet 50944, MedGen C1857069, MONDO:0009145, OMIM 224750.
Tooth agenesis, selective, 2. Also called: HYPODONTIA/OLIGODONTIA 2; STHAG2. Identifiers: MedGen C1865092, MONDO:0011265, OMIM 602639.

Allele frequency attached by ClinVar (database versions not stated): ESP Exome Variant Server 0.00100; gnomAD 0.00113 and 0.00129; TOPMed 0.00151; gnomAD exomes 0.00191; 1000 Genomes Project 0.00319; 1000 Genomes Project 30x 0.00344.
gnomAD v4.1: 3,009 of 1,614,136 alleles (0.19%); highest among the groups gnomAD compares: East Asian, 1.4%; 13 homozygotes.

Submissions 1 to 12 of 19:

GeneDx
Classification: Likely pathogenic. Last evaluated: 2026-10-15. Review status: criteria provided, single submitter. Criteria: GeneDx Variant Classification Process June 2021. Collection method: clinical testing. Allele origin: germline.
Comment: Case-control studies suggest this variant is associated with tooth agenesis (PMID: 24043634); In silico analysis supports that this missense variant has a deleterious effect on protein structure/function; This variant is associated with the following publications: (PMID: 28265457, 24312213, 30417976, 28981473, 29367877, 24700731, 31103801, 23167694, 34426522, 33034246, 34593752, 36071541, 35546689, 36755192, 24311251, 24043634, 33329022, 36199823, 37745851, 39244550, 37422997, 38280992, 36553094, 40857935, 42433585)

OLLIN Analises Genomicas, OLLIN
Classification: Likely pathogenic for Tooth agenesis, selective, 4. Last evaluated: 2026-08-06. Review status: criteria provided, single submitter. Criteria: ACMG Guidelines 2015 PMID 25741868. Collection method: clinical testing. Allele origin: germline. Inheritance: Autosomal recessive inheritance.
Comment: This missense variant, located in exon 3 (of 4), has been reported in ClinVar (accession VCV000225515.33), in gnomAD with an allele frequency of 0.19%, and in the scientific literature, in compound heterozygosity, in individuals with WNT10A related disorders (PMID: 30417976, 24043634, 33329022). In silico analysis predicts that this variant has a deleterious effect. According to the currently available evidence, this variant has been classified as likely pathogenic (PM3_S, PP3_M, BS1).

PreventionGenetics, part of Exact Sciences
Classification: Uncertain significance for WNT10A-related condition. Last evaluated: 2026-04-24. Review status: criteria provided, single submitter. Criteria: ACMG Guidelines, 2015. Collection method: clinical testing. Allele origin: germline.
Comment: The WNT10A c.511C>T variant is predicted to result in the amino acid substitution p.Arg171Cys. This variant has been reported in the heterozygous, compound heterozygous, and homozygous states in individuals with tooth agenesis (Song et al. 2014. PubMed ID: 24043634; Zeng et al. 2017. PubMed ID: 28981473; Park et al. 2019. PubMed ID: 31103801; Kanchanasevee et al. 2020. PubMed ID: 33329022). Also, this variant, in addition to a heterozygous variant in the EDA gene, has been reported in the heterozygous state in four individuals with non-syndromic and syndromic tooth agenesis (He et al. 2013. PubMed ID: 24312213). This variant was also reported, along with two other missense variants in WNT10A, in a patient with selective tooth agenesis (Family 8, II-1, Zhao et al. 2019. PubMed ID: 30417976). Reduced penetrance and variable expressivity due to heterozygous WNT10A variants has been reported (Song et al. 2014. PubMed ID: 24043634; Park et al. 2019. PubMed ID: 31103801; Kanchanasevee et al. 2020. PubMed ID: 33329022). Functional studies have found a small decrease in WNT signaling with this variant, but it appears to retain enough protein function (Zeng et al. 2020. PubMed ID: 33034246). This variant is reported in 1.6 % of alleles in individuals of East Asian descent and in 3 homozygous globally in gnomAD v2 (as displayed in the table above). However, in gnomAD v4 (available only on GRCh38), this variant is reported in 13 homozygotes. This variant has conflicting interpretations in ClinVar, ranging from benign to uncertain significance to pathogenic (Variation ID: 225515). At this time, the clinical significance of this variant is uncertain due to the absence of conclusive functional and genetic evidence.

Labcorp Genetics (formerly Invitae), Labcorp
Classification: Benign for Tooth agenesis, selective, 4; Odonto-onycho-dermal dysplasia. Last evaluated: 2026-01-20. Review status: criteria provided, single submitter. Criteria: Invitae Variant Classification Sherloc (09022015). Collection method: clinical testing. Allele origin: germline.

3billion
Classification: Uncertain significance for Odonto-onycho-dermal dysplasia. Last evaluated: 2025-10-01. Review status: criteria provided, single submitter. Criteria: ACMG Guidelines, 2015. Collection method: clinical testing. Allele origin: germline. Affected: yes.
Comment: The variant is observed in the gnomAD v4.1.0 dataset (total allele frequency: 0.186%). Predicted Consequence/Location: Missense variant In silico tool predictions suggest damaging effect of the variant on gene or gene product [REVEL: 0.86 (>=0.6, sensitivity 0.68 and specificity 0.92); 3Cnet: 0.72 (> 0.75, sensitivity 0.96 and precision 0.92)]. The same nucleotide change resulting in the same amino acid change has been previously reported as pathogenic/likely pathogenic with strong evidence (ClinVar ID: VCV000225515 /PMID: 24312213). However, the evidences are insufficient at this time. Therefore, this variant is classified as VUS according to the recommendation of ACMG/AMP guideline.

Blueprint Genetics
Classification: Likely pathogenic for WNT10A-related disorders. Last evaluated: 2024-11-18. Review status: criteria provided, single submitter. Criteria: ACMG Guidelines, 2015. Collection method: clinical testing. Allele origin: germline. Affected: yes. Observed: 5 variant alleles.

Department of Pathology and Laboratory Medicine, Sinai Health System
Classification: Uncertain significance for Tooth agenesis, selective, 4; Schöpf-Schulz-Passarge syndrome; Odonto-onycho-dermal dysplasia. Last evaluated: 2022-11-08. Review status: criteria provided, single submitter. Criteria: ACMG Guidelines, 2015. Collection method: research. Allele origin: germline.

Mendelics
Classification: Uncertain significance for Odonto-onycho-dermal dysplasia. Last evaluated: 2019-05-28. Review status: criteria provided, single submitter. Criteria: Mendelics Assertion Criteria 2017. Collection method: clinical testing. Allele origin: unknown.

Illumina Laboratory Services, Illumina
Classification: Benign for Odonto-onycho-dermal dysplasia. Last evaluated: 2018-01-13. Review status: criteria provided, single submitter. Criteria: ICSL Variant Classification Criteria 13 December 2019. Collection method: clinical testing. Allele origin: germline.
Comment: This variant was observed in the ICSL laboratory as part of a predisposition screen in an ostensibly healthy population. It had not been previously curated by ICSL or reported in the Human Gene Mutation Database (HGMD: prior to June 1st, 2018), and was therefore a candidate for classification through an automated scoring system. Utilizing variant allele frequency, disease prevalence and penetrance estimates, and inheritance mode, an automated score was calculated to assess if this variant is too frequent to cause the disease. Based on the score and internal cut-off values, a variant classified as benign is not then subjected to further curation. The score for this variant resulted in a classification of benign for this disease.

Illumina Laboratory Services, Illumina
Classification: Likely benign for Tooth agenesis, selective, 4. Last evaluated: 2018-01-13. Review status: criteria provided, single submitter. Criteria: ICSL Variant Classification Criteria 13 December 2019. Collection method: clinical testing. Allele origin: germline.
Comment: This variant was observed in the ICSL laboratory as part of a predisposition screen in an ostensibly healthy population. It had not been previously curated by ICSL or reported in the Human Gene Mutation Database (HGMD: prior to June 1st, 2018), and was therefore a candidate for classification through an automated scoring system. Utilizing variant allele frequency, disease prevalence and penetrance estimates, and inheritance mode, an automated score was calculated to assess if this variant is too frequent to cause the disease. Based on the score and internal cut-off values, a variant classified as likely benign is not then subjected to further curation. The score for this variant resulted in a classification of likely benign for this disease.

Illumina Laboratory Services, Illumina
Classification: Benign for Schöpf-Schulz-Passarge syndrome. Last evaluated: 2018-01-13. Review status: criteria provided, single submitter. Criteria: ICSL Variant Classification Criteria 13 December 2019. Collection method: clinical testing. Allele origin: germline.
Comment: the same text as in the submission from Illumina Laboratory Services, Illumina above.

Soonchunhyang University Bucheon Hospital, Soonchunhyang University Medical Center
Classification: Uncertain significance for Odonto-onycho-dermal dysplasia; Tooth agenesis, selective, 4. Last evaluated: 2016-03-18. Review status: criteria provided, single submitter. Criteria: ACMG Guidelines, 2015. Collection method: reference population. Allele origin: germline. Observed: 5 variant alleles.

NM_025216.3(WNT10A):c.511C>T (p.Arg171Cys)

Gene: WNT10A (Wnt family member 10A; plus strand). Cytogenetic location: 2q35.
Variant type: single nucleotide variant.
Coding change: c.511C>T on transcript NM_025216.3 (MANE Select); coding-DNA position 511, C replaced by T.
Protein change: p.Arg171Cys; replaces arginine 171 with cysteine.
Molecular consequence: missense variant.
Genome position (GRCh38, 1-based): chr2:218,890,118, C>T. VCF-style: chr2-218890118-C-T. GRCh37 (hg19) VCF-style: chr2-219754840-C-T.
Other names: short protein forms R171C.
Identifiers: ClinVar variation 225515 (VCV000225515.38), dbSNP rs116998555, ClinGen allele CA2113955.